The following is an entry in ClinVar:

ClinVar aggregate classification (germline): Uncertain significance. Review status: criteria provided, multiple submitters, no conflicts (2 of 4 stars). 2 submissions from 2 submitters: Uncertain significance (2). Last evaluated 2023-10-05.

Conditions:
Endometrial carcinoma. Also called: Endometrial carcinoma, somatic. Identifiers: MedGen C0476089, MONDO:0002447, OMIM 608089, HP:0012114.
Colorectal cancer, hereditary nonpolyposis, type 7. Identifiers: Orphanet 144, MedGen C1858380, MONDO:0013725, OMIM 614385.
Colorectal cancer. Also called: Malignant Colorectal Neoplasm; Colorectal cancer, somatic. Identifiers: MedGen C0346629, MONDO:0005575, OMIM 114500.

Allele frequency attached by ClinVar (database versions not stated): gnomAD exomes below 0.00001.

Submissions (2):

Department of Pathology and Laboratory Medicine, Sinai Health System
Classification: Uncertain significance for Colorectal cancer; Endometrial carcinoma; Colorectal cancer, hereditary nonpolyposis, type 7. Last evaluated: 2023-10-05. Review status: criteria provided, single submitter. Criteria: ACMG Guidelines, 2015. Collection method: clinical testing. Allele origin: germline. Affected: yes.

Labcorp Genetics (formerly Invitae), Labcorp
Classification: Uncertain significance for Colorectal cancer, hereditary nonpolyposis, type 7. Last evaluated: 2018-08-12. Review status: criteria provided, single submitter. Criteria: Invitae Variant Classification Sherloc (09022015). Collection method: clinical testing. Allele origin: germline.
Comment: This sequence change replaces serine with glycine at codon 905 of the MLH3 protein (p.Ser905Gly). The serine residue is moderately conserved and there is a small physicochemical difference between serine and glycine. In summary, the available evidence is currently insufficient to determine the role of this variant in disease. Therefore, it has been classified as a Variant of Uncertain Significance. Algorithms developed to predict the effect of sequence changes on RNA splicing suggest that this variant may create or strengthen a splice site, but this prediction has not been confirmed by published transcriptional studies. Algorithms developed to predict the effect of missense changes on protein structure and function are either unavailable or do not agree on the potential impact of this missense change (SIFT: "Deleterious"; PolyPhen-2: "Benign"; Align-GVGD: "Class C0"). This variant has not been reported in the literature in individuals with MLH3-related disease. This variant is not present in population databases (ExAC no frequency).

NM_001040108.2(MLH3):c.2713A>G (p.Ser905Gly)

Gene: MLH3 (mutL homolog 3; minus strand). Cytogenetic location: 14q24.3.
Variant type: single nucleotide variant.
Coding change: c.2713A>G on transcript NM_001040108.2 (MANE Select); coding-DNA position 2713, A replaced by G.
Protein change: p.Ser905Gly; replaces serine 905 with glycine.
Molecular consequence: missense variant.
Genome position (GRCh38, 1-based): chr14:75,046,943, T>C on the plus strand (A>G on the coding strand, the complement: MLH3 is on the minus strand). VCF-style: chr14-75046943-T-C. GRCh37 (hg19) VCF-style: chr14-75513646-T-C.
Other names: c.2713A>G, p.Ser905Gly (NM_014381.3); short protein forms S905G.
Identifiers: ClinVar variation 649864 (VCV000649864.9), dbSNP rs1595084225, ClinGen allele CA390438918.